The following is an entry in ClinVar:

NM_000059.4(BRCA2):c.614G>C (p.Ser205Thr)

Gene: BRCA2 (BRCA2 DNA repair associated; plus strand). Cytogenetic location: 13q13.1.
Variant type: single nucleotide variant.
Coding change: c.614G>C on transcript NM_000059.4 (MANE Select); coding-DNA position 614, G replaced by C.
Protein change: p.Ser205Thr; replaces serine 205 with threonine.
Molecular consequence: missense variant. On other transcripts: non-coding transcript variant (1).
Genome position (GRCh38, 1-based): chr13:32,326,596, G>C. VCF-style: chr13-32326596-G-C. GRCh37 (hg19) VCF-style: chr13-32900733-G-C.
Other names: c.614G>C, p.Ser205Thr (NM_001406719.1, NM_001406720.1, NM_001406721.1); c.245G>C, p.Ser82Thr (NM_001406722.1); short protein forms S82T, S205T.
Identifiers: ClinVar variation 2910331 (VCV002910331.4), dbSNP rs2137452929, ClinGen allele CA387758308.

ClinVar aggregate classification (germline): Uncertain significance. Review status: criteria provided, multiple submitters, no conflicts (2 of 4 stars). 2 submissions from 2 submitters: Uncertain significance (2). Last evaluated 2025-11-17.

Conditions:
Hereditary breast ovarian cancer syndrome. Also called: Breast and ovarian cancer; BRCA1- and BRCA2-Associated Hereditary Breast and Ovarian Cancer; Hereditary breast and ovarian cancer; Hereditary breast and/or ovarian cancer syndrome; Hereditary breast and ovarian cancer syndrome; Hereditary breast and ovarian cancer syndrome (HBOC). Identifiers: Orphanet 145, MedGen C0677776, MeSH D061325, MONDO:0003582. Disease mechanism: loss of function.

Submissions (2):

Labcorp Genetics (formerly Invitae), Labcorp
Classification: Uncertain significance for Hereditary breast ovarian cancer syndrome. Last evaluated: 2025-11-17. Review status: criteria provided, single submitter. Criteria: Invitae Variant Classification Sherloc (09022015). Collection method: clinical testing. Allele origin: germline.
Comment: This sequence change replaces serine, which is neutral and polar, with threonine, which is neutral and polar, at codon 205 of the BRCA2 protein (p.Ser205Thr). This variant is not present in population databases (gnomAD no frequency). This variant has not been reported in the literature in individuals affected with BRCA2-related conditions. ClinVar contains an entry for this variant (Variation ID: 2910331). Invitae Evidence Modeling of protein sequence and biophysical properties (such as structural, functional, and spatial information, amino acid conservation, physicochemical variation, residue mobility, and thermodynamic stability) indicates that this missense variant is not expected to disrupt BRCA2 protein function with a negative predictive value of 95%. In summary, the available evidence is currently insufficient to determine the role of this variant in disease. Therefore, it has been classified as a Variant of Uncertain Significance.

Center for Genomic Medicine, Rigshospitalet, Copenhagen University Hospital
Classification: Uncertain significance. Last evaluated: 2025-03-04. Review status: criteria provided, single submitter. Criteria: ACMG Guidelines, 2015. Collection method: clinical testing. Allele origin: germline.